The following is an entry in ClinVar:

NM_006231.4(POLE):c.4330G>A (p.Val1444Met)

Gene: POLE (DNA polymerase epsilon, catalytic subunit; minus strand). Cytogenetic location: 12q24.33.
Variant type: single nucleotide variant.
Coding change: c.4330G>A on transcript NM_006231.4 (MANE Select); coding-DNA position 4330, G replaced by A.
Protein change: p.Val1444Met; replaces valine 1444 with methionine.
Molecular consequence: missense variant.
Genome position (GRCh38, 1-based): chr12:132,643,521, C>T on the plus strand (G>A on the coding strand, the complement: POLE is on the minus strand). VCF-style: chr12-132643521-C-T. GRCh37 (hg19) VCF-style: chr12-133220107-C-T.
Other names: c.4330G>A (NM_006231.2); short protein forms V1444M.
Identifiers: ClinVar variation 2815557 (VCV002815557.4), dbSNP rs773110517, ClinGen allele CA387381454.

ClinVar aggregate classification (germline): Uncertain significance. Review status: criteria provided, multiple submitters, no conflicts (2 of 4 stars). 2 submissions from 2 submitters: Uncertain significance (2). Last evaluated 2024-01-01.

Conditions:
Hereditary cancer-predisposing syndrome. Also called: Neoplastic Syndromes, Hereditary; Tumor predisposition; Hereditary Cancer Syndrome; Hereditary neoplastic syndrome. Identifiers: Orphanet 140162, MedGen C0027672, MeSH D009386, MONDO:0015356.

Submissions (2):

Ambry Genetics
Classification: Uncertain significance for Hereditary cancer-predisposing syndrome. Last evaluated: 2024-01-01. Review status: criteria provided, single submitter. Criteria: Ambry Variant Classification Scheme 2023. Collection method: clinical testing. Allele origin: germline.
Comment: The p.V1444M variant (also known as c.4330G>A), located in coding exon 34 of the POLE gene, results from a G to A substitution at nucleotide position 4330. The valine at codon 1444 is replaced by methionine, an amino acid with highly similar properties. This amino acid position is conserved. In addition, this alteration is predicted to be tolerated by in silico analysis. Since supporting evidence is limited at this time, the clinical significance of this alteration remains unclear.

Labcorp Genetics (formerly Invitae), Labcorp
Classification: Uncertain significance. Last evaluated: 2022-11-22. Review status: criteria provided, single submitter. Criteria: Invitae Variant Classification Sherloc (09022015). Collection method: clinical testing. Allele origin: germline.
Comment: Advanced modeling of protein sequence and biophysical properties (such as structural, functional, and spatial information, amino acid conservation, physicochemical variation, residue mobility, and thermodynamic stability) performed at Invitae indicates that this missense variant is not expected to disrupt POLE protein function. In summary, the available evidence is currently insufficient to determine the role of this variant in disease. Therefore, it has been classified as a Variant of Uncertain Significance. This variant has not been reported in the literature in individuals affected with POLE-related conditions. This variant is not present in population databases (gnomAD no frequency). This sequence change replaces valine, which is neutral and non-polar, with methionine, which is neutral and non-polar, at codon 1444 of the POLE protein (p.Val1444Met).